The following is an entry in ClinVar:

ClinVar aggregate classification (germline): Uncertain significance (1 of 4 stars; one submission).

Submission:

Labcorp Genetics (formerly Invitae), Labcorp
Classification: Uncertain significance. Last evaluated: 2024-10-16. Review status: criteria provided, single submitter. Criteria: Invitae Variant Classification Sherloc (09022015). Collection method: clinical testing. Allele origin: germline.
Comment: This sequence change replaces arginine, which is basic and polar, with lysine, which is basic and polar, at codon 554 of the FCHO1 protein (p.Arg554Lys). This variant is present in population databases (rs772057227, gnomAD 0.04%). This variant has not been reported in the literature in individuals affected with FCHO1-related conditions. An algorithm developed to predict the effect of missense changes on protein structure and function (PolyPhen-2) suggests that this variant is likely to be tolerated. In summary, the available evidence is currently insufficient to determine the role of this variant in disease. Therefore, it has been classified as a Variant of Uncertain Significance.

NM_015122.3(FCHO1):c.1661G>A (p.Arg554Lys)

Gene: FCHO1 (FCH and mu domain containing endocytic adaptor 1; plus strand). Cytogenetic location: 19p13.11.
Variant type: single nucleotide variant.
Coding change: c.1661G>A on transcript NM_015122.3 (MANE Select); coding-DNA position 1661, G replaced by A.
Protein change: p.Arg554Lys; replaces arginine 554 with lysine.
Molecular consequence: missense variant. On other transcripts: non-coding transcript variant (36).
Genome position (GRCh38, 1-based): chr19:17,781,264, G>A. VCF-style: chr19-17781264-G-A. GRCh37 (hg19) VCF-style: chr19-17892073-G-A.
Other names: c.1511G>A, p.Arg504Lys (NM_001384384.1, NM_001384385.1, NM_001384386.1 and 1 more transcripts); c.1622G>A, p.Arg541Lys (NM_001384389.1, NM_001384388.1, NM_001384405.1); c.1586G>A, p.Arg529Lys (NM_001384390.1); c.1661G>A, p.Arg554Lys (NM_001384391.1, NM_001384387.1, NM_001161357.2 and 13 more transcripts); c.1544G>A, p.Arg515Lys (NM_001384392.1, NM_001384393.1, NM_001384394.1 and 1 more transcripts); c.1385G>A, p.Arg462Lys (NM_001384396.1, NM_001384397.1, NM_001384398.1 and 5 more transcripts); c.1340G>A, p.Arg447Lys (NM_001384403.1); c.1235G>A, p.Arg412Lys (NM_001384406.1); and 1 more; short protein forms R412K, R447K, R515K, R529K, R541K, R554K, R462K, R504K.
Identifiers: ClinVar variation 3711854 (VCV003711854.2).